The following is an entry in ClinVar:

ClinVar aggregate classification (germline): Uncertain significance (1 of 4 stars; one submission).

Conditions:
Brugada syndrome. Also called: Sudden unexplained nocturnal death syndrome; Sudden unexpected nocturnal death syndrome; Sudden Unexplained Death Syndrome; Sudden Unexplained Nocturnal Death Syndrome (SUNDS). Identifiers: Orphanet 130, MedGen C1142166, MONDO:0015263.

Allele frequency attached by ClinVar (database versions not stated): TOPMed below 0.00001; gnomAD 0.00001; gnomAD exomes 0.00002; ExAC 0.00004.

Submission:

Labcorp Genetics (formerly Invitae), Labcorp
Classification: Uncertain significance for Brugada syndrome. Last evaluated: 2025-08-01. Review status: criteria provided, single submitter. Criteria: Invitae Variant Classification Sherloc (09022015). Collection method: clinical testing. Allele origin: germline.
Comment: This sequence change affects the initiator codon of the SCN10A mRNA. This change may impact translation initiation or efficiency. The next in-frame methionine is located at codon 93. This variant is present in population databases (rs749292402, gnomAD 0.009%). This variant has not been reported in the literature in individuals affected with SCN10A-related conditions. ClinVar contains an entry for this variant (Variation ID: 1443717). Experimental studies and prediction algorithms are not available or were not evaluated, and the functional significance of this variant is currently unknown. In summary, the available evidence is currently insufficient to determine the role of this variant in disease. Therefore, it has been classified as a Variant of Uncertain Significance.

NM_006514.4(SCN10A):c.2T>C (p.Met1Thr)

Gene: SCN10A (sodium voltage-gated channel alpha subunit 10; minus strand). Cytogenetic location: 3p22.2.
Variant type: single nucleotide variant.
Coding change: c.2T>C on transcript NM_006514.4 (MANE Select); coding-DNA position 2, T replaced by C.
Protein change: p.Met1Thr; changes the start codon (methionine 1).
Molecular consequence: missense variant, initiator codon variant.
Genome position (GRCh38, 1-based): chr3:38,794,009, A>G on the plus strand (T>C on the coding strand, the complement: SCN10A is on the minus strand). VCF-style: chr3-38794009-A-G. GRCh37 (hg19) VCF-style: chr3-38835500-A-G.
Other names: c.2T>C, p.Met1Thr (NM_001293306.2, NM_001293307.2); short protein forms M1T.
Identifiers: ClinVar variation 1443717 (VCV001443717.6), dbSNP rs749292402, ClinGen allele CA2321323.